The following is an entry in ClinVar:

NM_001080510.5(METTL23):c.504del (p.Glu169fs)

Gene: METTL23 (methyltransferase 23, arginine; plus strand). Cytogenetic location: 17q25.1.
Variant type: Deletion.
Coding change: c.504del on transcript NM_001080510.5 (MANE Select); coding-DNA position 504, one base deleted (A; older notation c.504delA).
Protein change: p.Glu169fs; shifts the reading frame from glutamic acid 169.
Molecular consequence: frameshift variant. On other transcripts: non-coding transcript variant (1).
Genome position (GRCh38, 1-based): chr17:76,733,617, A deleted. VCF-style (leftmost placement, unchanged base first): chr17-76733616-CA-C. GRCh37 (hg19) VCF-style: chr17-74729698-CA-C.
Other names: c.504del, p.Glu169fs (NM_001206983.3, NM_001206984.3, NM_001302703.2 and 2 more transcripts); c.303del, p.Glu102fs (NM_001206985.3, NM_001206986.3, NM_001206987.3 and 2 more transcripts); c.492del, p.Glu165fs (NM_001302705.2, NM_001378350.1, NM_001378351.1 and 2 more transcripts); short protein forms E102fs, E165fs, E169fs.
Identifiers: ClinVar variation 520856 (VCV000520856.35), dbSNP rs1443221868, ClinGen allele CA627600280.

ClinVar aggregate classification (germline): Conflicting classifications of pathogenicity. Review status: criteria provided, conflicting classifications (1 of 4 stars). 3 submissions from 3 submitters: Likely pathogenic (2); Uncertain significance (1). Last evaluated 2026-08-15.

Conditions:
Inborn genetic diseases. Identifiers: MedGen C0950123, MeSH D030342.

Allele frequency attached by ClinVar (database versions not stated): gnomAD exomes 0.00001; TOPMed 0.00001.

Submissions (3):

GeneDx
Classification: Likely pathogenic. Last evaluated: 2026-08-15. Review status: criteria provided, single submitter. Criteria: GeneDx Variant Classification Process June 2021. Collection method: clinical testing. Allele origin: germline.
Comment: Frameshift variant predicted to result in abnormal protein length as the last 22 amino acid(s) are replaced with 35 different amino acid(s), and other similar variants have been reported in HGMD; Not observed at significant frequency in large population cohorts (gnomAD); Has not been previously published as pathogenic or benign to our knowledge

CeGaT Center for Human Genetics Tuebingen
Classification: Likely pathogenic. Last evaluated: 2023-12-01. Review status: criteria provided, single submitter. Criteria: CeGaT Center For Human Genetics Tuebingen Variant Classification Criteria Version 2. Collection method: clinical testing. Allele origin: germline. Affected: yes. Observed: 3 variant alleles.
Comment: METTL23: PM2, PM3, PVS1:Moderate

Ambry Genetics
Classification: Uncertain significance for Inborn genetic diseases. Last evaluated: 2015-10-22. Review status: criteria provided, single submitter. Criteria: Ambry exome assertion method (8-5-2015). Collection method: clinical testing. Allele origin: germline. Affected: yes. Observed: 1 variant allele.